The following is an entry in ClinVar:

ClinVar aggregate classification (germline): Pathogenic. Review status: criteria provided, single submitter (1 of 4 stars). 2 submissions from 2 submitters: Pathogenic (1). 1 of the submissions does not count toward it. Last evaluated 2020-12-20.

Conditions:
Alagille syndrome due to a JAG1 point mutation. Also called: HEPATIC DUCTULAR HYPOPLASIA, SYNDROMATIC; Alagille Syndrome 1; JAG1-Related Alagille Syndrome. Identifiers: Orphanet 261619, Orphanet 52, MedGen C1956125, MONDO:0016862, OMIM 118450.

Submissions (2):

Labcorp Genetics (formerly Invitae), Labcorp
Classification: Pathogenic for Alagille syndrome due to a JAG1 point mutation. Last evaluated: 2020-12-20. Review status: criteria provided, single submitter. Criteria: Invitae Variant Classification Sherloc (09022015). Collection method: clinical testing. Allele origin: germline.
Comment: For these reasons, this variant has been classified as Pathogenic. Algorithms developed to predict the effect of sequence changes on RNA splicing suggest that this variant may disrupt the consensus splice site, but this prediction has not been confirmed by published transcriptional studies. This variant has been observed in individual(s) with Alagille syndrome (PMID: 9207787). In at least one individual the variant was observed to be de novo. This variant is also known as 3375+1G>C in the literature. ClinVar contains an entry for this variant (Variation ID: 7616). This variant is not present in population databases (ExAC no frequency). This sequence change affects a donor splice site in intron 23 of the JAG1 gene. It is expected to disrupt RNA splicing. Variants that disrupt the donor or acceptor splice site typically lead to a loss of protein function (PMID: 16199547), and loss-of-function variants in JAG1 are known to be pathogenic (PMID: 11180599).

OMIM
Classification: Pathogenic for ALAGILLE SYNDROME 1. Last evaluated: 1997-07-01. Review status: no assertion criteria provided. Collection method: literature only. Allele origin: germline. Not counted in ClinVar's aggregate classification.

Literature cited by the submitters: PubMed 9207787 (cited by Labcorp Genetics (formerly Invitae), Labcorp and OMIM); PubMed 16199547 (cited by Labcorp Genetics (formerly Invitae), Labcorp); PubMed 11180599 (cited by Labcorp Genetics (formerly Invitae), Labcorp).

NM_000214.3(JAG1):c.2916+1G>C

Gene: JAG1 (jagged canonical Notch ligand 1; minus strand). Cytogenetic location: 20p12.2.
Variant type: single nucleotide variant.
Coding change: c.2916+1G>C on transcript NM_000214.3 (MANE Select); the canonical splice donor site of the intron after coding-DNA position 2916, G replaced by C.
Molecular consequence: splice donor variant.
Genome position (GRCh38, 1-based): chr20:10,641,459, C>G on the plus strand (G>C on the coding strand, the complement: JAG1 is on the minus strand). VCF-style: chr20-10641459-C-G. GRCh37 (hg19) VCF-style: chr20-10622107-C-G.
Other names: IVS23DS, G-C, +1; c.2916+1G>C (LRG_1191t1).
Identifiers: ClinVar variation 7616 (VCV000007616.8), dbSNP rs1568791920, ClinGen allele CA408244686.